The following is an entry in ClinVar:

ClinVar aggregate classification (germline): Uncertain significance (1 of 4 stars; one submission).

gnomAD v4.1: 4 of 1,614,080 alleles (0.00025%); highest among the groups gnomAD compares: Non-Finnish European, 0.00034%; no homozygotes.

Submission:

GeneDx
Classification: Uncertain significance. Last evaluated: 2024-06-07. Review status: criteria provided, single submitter. Criteria: GeneDx Variant Classification Process June 2021. Collection method: clinical testing. Allele origin: germline. Affected: yes.
Comment: Not observed at significant frequency in large population cohorts (gnomAD); In silico analysis indicates that this missense variant does not alter protein structure/function; Has not been previously published as pathogenic or benign to our knowledge

NM_004086.3(COCH):c.265C>G (p.Pro89Ala)

Genes: COCH (cochlin; plus strand), LOC100506071 (uncharacterized LOC100506071; minus strand). Cytogenetic location: 14q12.
Variant type: single nucleotide variant.
Coding change: c.265C>G on transcript NM_004086.3 (MANE Select); coding-DNA position 265, C replaced by G.
Protein change: p.Pro89Ala; replaces proline 89 with alanine.
Molecular consequence: missense variant.
Genome position (GRCh38, 1-based): chr14:30,878,836, C>G. VCF-style: chr14-30878836-C-G. GRCh37 (hg19) VCF-style: chr14-31348042-C-G.
Other names: c.265C>G, p.Pro89Ala (NM_001135058.2); c.460C>G, p.Pro154Ala (NM_001347720.2); short protein forms P154A, P89A.
Identifiers: ClinVar variation 3384502 (VCV003384502.1).